The following is an entry in ClinVar:

NM_006790.3(MYOT):c.1004C>T (p.Thr335Ile)

Genes: MYOT (myotilin; plus strand), PKD2L2-DT (PKD2L2 divergent transcript; minus strand). Cytogenetic location: 5q31.2.
Variant type: single nucleotide variant.
Coding change: c.1004C>T on transcript NM_006790.3 (MANE Select); coding-DNA position 1004, C replaced by T.
Protein change: p.Thr335Ile; replaces threonine 335 with isoleucine.
Molecular consequence: missense variant.
Genome position (GRCh38, 1-based): chr5:137,883,571, C>T. VCF-style: chr5-137883571-C-T. GRCh37 (hg19) VCF-style: chr5-137219260-C-T.
Other names: c.452C>T, p.Thr151Ile (NM_001135940.2); c.659C>T, p.Thr220Ile (NM_001300911.2); short protein forms T335I, T151I, T220I.
Identifiers: ClinVar variation 4774407 (VCV004774407.1).

ClinVar aggregate classification (germline): Uncertain significance (1 of 4 stars; one submission).

Conditions:
Myofibrillar myopathy 3 (MFM3). Also called: Autosomal dominant spheroid body myopathy; Muscular dystrophy, proximal, type 1A. Identifiers: Orphanet 266, Orphanet 268129, MedGen C3714934, MONDO:0012215, OMIM 609200.

Submission:

Labcorp Genetics (formerly Invitae), Labcorp
Classification: Uncertain significance for Myofibrillar myopathy 3. Last evaluated: 2025-08-01. Review status: criteria provided, single submitter. Criteria: Invitae Variant Classification Sherloc (09022015). Collection method: clinical testing. Allele origin: germline.
Comment: This sequence change replaces threonine, which is neutral and polar, with isoleucine, which is neutral and non-polar, at codon 335 of the MYOT protein (p.Thr335Ile). This variant is not present in population databases (gnomAD no frequency). This variant has not been reported in the literature in individuals affected with MYOT-related conditions. Invitae Evidence Modeling of protein sequence and biophysical properties (such as structural, functional, and spatial information, amino acid conservation, physicochemical variation, residue mobility, and thermodynamic stability) indicates that this missense variant is not expected to disrupt MYOT protein function with a negative predictive value of 80%. In summary, the available evidence is currently insufficient to determine the role of this variant in disease. Therefore, it has been classified as a Variant of Uncertain Significance.